The following is an entry in ClinVar:

ClinVar aggregate classification (germline): Conflicting classifications of pathogenicity. Review status: criteria provided, conflicting classifications (1 of 4 stars). 4 submissions from 4 submitters: Uncertain significance (3); Likely benign (1). Last evaluated 2025-04-01.

Conditions:
Oculofaciocardiodental syndrome (MCOPS2). Identifiers: Orphanet 2712, MedGen C1846265, MONDO:0010261, OMIM 300166.

Allele frequency attached by ClinVar (database versions not stated): gnomAD 0.00004 and 0.00005; gnomAD exomes 0.00004; ExAC 0.00005; TOPMed 0.00005.
gnomAD v4.1: 66 of 1,203,068 alleles (0.0055%); highest among the groups gnomAD compares: Admixed American, 0.0089%; no homozygotes.

Submissions (4):

CeGaT Center for Human Genetics Tuebingen
Classification: Likely benign. Last evaluated: 2025-04-01. Review status: criteria provided, single submitter. Criteria: CeGaT Center For Human Genetics Tuebingen Variant Classification Criteria Version 2. Collection method: clinical testing. Allele origin: germline. Affected: yes. Observed: 1 variant allele.
Comment: BCOR: BS2

Revvity Omics, Revvity
Classification: Uncertain significance for Oculofaciocardiodental syndrome. Last evaluated: 2019-03-27. Review status: criteria provided, single submitter. Criteria: ACMG Guidelines, 2015. Collection method: clinical testing. Allele origin: germline.

Centre for Mendelian Genomics, University Medical Centre Ljubljana
Classification: Uncertain significance for Oculofaciocardiodental syndrome. Last evaluated: 2018-11-07. Review status: criteria provided, single submitter. Criteria: ACMG Guidelines, 2015. Collection method: clinical testing. Allele origin: unknown. Affected: yes.
Comment: This variant was classified as: Uncertain significance. The available evidence on this variant's pathogenicity is insufficient or conflicting. The following ACMG criteria were applied in classifying this variant: PP3,BP1.

GeneDx
Classification: Uncertain significance. Last evaluated: 2017-03-01. Review status: criteria provided, single submitter. Criteria: GeneDx Variant Classification (06012015). Collection method: clinical testing. Allele origin: germline. Affected: yes.
Comment: The P1367L variant in the BCOR gene has not been reported previously as a pathogenic variant, nor as a benign variant, to our knowledge. The P1367L variant is observed in 1/6301 (0.02%) alleles from individuals of Latino background, in the ExAC dataset (Lek et al., 2016; 1000 Genomes Consortium et al., 2015; Exome Variant Server). The P1367L variant is a semi-conservative amino acid substitution, which may impact secondary protein structure as these residues differ in some properties. This substitution occurs at a position that is conserved in mammals. In silico analysis predicts this variant is probably damaging to the protein structure/function. We interpret P1367L as a variant of uncertain significance.

NM_001123385.2(BCOR):c.4202C>T (p.Pro1401Leu)

Gene: BCOR (BCL6 corepressor; minus strand). Cytogenetic location: Xp11.4.
Variant type: single nucleotide variant.
Coding change: c.4202C>T on transcript NM_001123385.2 (MANE Select); coding-DNA position 4202, C replaced by T.
Protein change: p.Pro1401Leu; replaces proline 1401 with leucine.
Molecular consequence: missense variant.
Genome position (GRCh38, 1-based): chrX:40,062,365, G>A on the plus strand (C>T on the coding strand, the complement: BCOR is on the minus strand). VCF-style: chrX-40062365-G-A. GRCh37 (hg19) VCF-style: chrX-39921618-G-A.
Other names: c.4100C>T, p.Pro1367Leu (NM_001123383.2, NM_017745.6); c.4046C>T, p.Pro1349Leu (NM_001123384.2); short protein forms P1367L, P1401L, P1349L.
Identifiers: ClinVar variation 424094 (VCV000424094.15), dbSNP rs201959477, ClinGen allele CA10386483.